The following is an entry in ClinVar:

NM_000019.4(ACAT1):c.1279C>A (p.Leu427Met)

Gene: ACAT1 (acetyl-CoA acetyltransferase 1; plus strand). Cytogenetic location: 11q22.3.
Variant type: single nucleotide variant.
Coding change: c.1279C>A on transcript NM_000019.4 (MANE Select); coding-DNA position 1279, C replaced by A.
Protein change: p.Leu427Met; replaces leucine 427 with methionine.
Molecular consequence: missense variant.
Genome position (GRCh38, 1-based): chr11:108,147,385, C>A. VCF-style: chr11-108147385-C-A. GRCh37 (hg19) VCF-style: chr11-108018112-C-A.
Other names: short protein forms L427M.
Identifiers: ClinVar variation 880374 (VCV000880374.16), dbSNP rs201500937, ClinGen allele CA6263418.

ClinVar aggregate classification (germline): Uncertain significance. Review status: criteria provided, multiple submitters, no conflicts (2 of 4 stars). 4 submissions from 4 submitters: Uncertain significance (3). 1 of the submissions does not count toward it. Last evaluated 2025-11-26.

Conditions:
Deficiency of acetyl-CoA acetyltransferase. Also called: Beta-ketothiolase deficiency; 3-KETOTHIOLASE DEFICIENCY; 3-OXOTHIOLASE DEFICIENCY; MITOCHONDRIAL ACETOACETYL-CoA THIOLASE DEFICIENCY. Identifiers: Orphanet 134, MedGen C1536500, MONDO:0008760, OMIM 203750. Disease mechanism: loss of function.
Inborn genetic diseases. Identifiers: MedGen C0950123, MeSH D030342.

Allele frequency attached by ClinVar (database versions not stated): ExAC 0.00001; gnomAD exomes 0.00004.
gnomAD v4.1: 54 of 1,613,298 alleles (0.0033%); highest among the groups gnomAD compares: Admixed American, 0.012%; no homozygotes.

Submissions (4):

Ambry Genetics
Classification: Uncertain significance for Inborn genetic diseases. Last evaluated: 2025-11-26. Review status: criteria provided, single submitter. Criteria: Ambry Variant Classification Scheme 2023. Collection method: clinical testing. Allele origin: germline.

Labcorp Genetics (formerly Invitae), Labcorp
Classification: Uncertain significance for Deficiency of acetyl-CoA acetyltransferase. Last evaluated: 2021-09-01. Review status: criteria provided, single submitter. Criteria: Invitae Variant Classification Sherloc (09022015). Collection method: clinical testing. Allele origin: germline.
Comment: This sequence change replaces leucine with methionine at codon 427 of the ACAT1 protein (p.Leu427Met). The leucine residue is highly conserved and there is a small physicochemical difference between leucine and methionine. This variant is present in population databases (rs201500937, ExAC 0.009%). This variant has not been reported in the literature in individuals affected with ACAT1-related conditions. Algorithms developed to predict the effect of missense changes on protein structure and function are either unavailable or do not agree on the potential impact of this missense change (SIFT: "Deleterious"; PolyPhen-2: "Benign"; Align-GVGD: "Class C0"). In summary, the available evidence is currently insufficient to determine the role of this variant in disease. Therefore, it has been classified as a Variant of Uncertain Significance.

Illumina Laboratory Services, Illumina
Classification: Uncertain significance for Deficiency of acetyl-CoA acetyltransferase. Last evaluated: 2018-01-13. Review status: criteria provided, single submitter. Criteria: ICSL Variant Classification Criteria 13 December 2019. Collection method: clinical testing. Allele origin: germline.

Natera, Inc.
Classification: Uncertain significance for Alpha-methylacetoacetic aciduria. Last evaluated: 2020-01-24. Review status: no assertion criteria provided. Collection method: clinical testing. Allele origin: germline. Not counted in ClinVar's aggregate classification.